The following is an entry in ClinVar:

ClinVar aggregate classification (germline): Uncertain significance. Review status: criteria provided, multiple submitters, no conflicts (2 of 4 stars). 2 submissions from 2 submitters: Uncertain significance (2). Last evaluated 2024-02-24.

Allele frequency attached by ClinVar (database versions not stated): ExAC 0.00001; gnomAD 0.00001; gnomAD exomes 0.00001; TOPMed 0.00001.
gnomAD v4.1: 13 of 1,610,602 alleles (0.00081%); highest among the groups gnomAD compares: African/African-American, 0.0053%; no homozygotes.

Submissions (2):

Labcorp Genetics (formerly Invitae), Labcorp
Classification: Uncertain significance. Last evaluated: 2024-02-24. Review status: criteria provided, single submitter. Criteria: Invitae Variant Classification Sherloc (09022015). Collection method: clinical testing. Allele origin: germline.
Comment: This sequence change replaces aspartic acid, which is acidic and polar, with asparagine, which is neutral and polar, at codon 182 of the LMX1B protein (p.Asp182Asn). The frequency data for this variant in the population databases is considered unreliable, as metrics indicate poor data quality at this position in the gnomAD database. This missense change has been observed in individual(s) with steroid-resistant nephrotic syndrome (PMID: 31937884). ClinVar contains an entry for this variant (Variation ID: 1906205). Advanced modeling of protein sequence and biophysical properties (such as structural, functional, and spatial information, amino acid conservation, physicochemical variation, residue mobility, and thermodynamic stability) performed at Invitae indicates that this missense variant is not expected to disrupt LMX1B protein function with a negative predictive value of 80%. In summary, the available evidence is currently insufficient to determine the role of this variant in disease. Therefore, it has been classified as a Variant of Uncertain Significance.

Blueprint Genetics
Classification: Uncertain significance. Last evaluated: 2020-04-24. Review status: criteria provided, single submitter. Criteria: ACMG Guidelines, 2015. Collection method: clinical testing. Allele origin: germline.

Literature cited by the submitters: PubMed 31937884 (cited by Labcorp Genetics (formerly Invitae), Labcorp).

NM_001174147.2(LMX1B):c.544G>A (p.Asp182Asn)

Gene: LMX1B (LIM homeobox transcription factor 1 beta; plus strand). Cytogenetic location: 9q33.3.
Variant type: single nucleotide variant.
Coding change: c.544G>A on transcript NM_001174147.2 (MANE Select); coding-DNA position 544, G replaced by A.
Protein change: p.Asp182Asn; replaces aspartic acid 182 with asparagine.
Molecular consequence: missense variant.
Genome position (GRCh38, 1-based): chr9:126,691,053, G>A. VCF-style: chr9-126691053-G-A. GRCh37 (hg19) VCF-style: chr9-129453332-G-A.
Other names: c.544G>A, p.Asp182Asn (NM_001174146.2, NM_002316.4); short protein forms D182N.
Identifiers: ClinVar variation 1906205 (VCV001906205.6), dbSNP rs781341216, ClinGen allele CA5242335.
Genomic context (GRCh38, chr9:126,691,053, plus strand): 5'-CAGCTGCTGTGCAAGGGTGACTACGAGAAGGAGAAGGACCTGCTCAGCTCCGTGAGCCCC[G>A]ACGAGTCCGACTCCGGTGAGGCCTGGCCTGAGCTGGGGGCAGGCCTCAGGGACGGGGGTT-3'
Protein context (NP_001167618.1, residues 172-192): EKDLLSSVSP[Asp182Asn]ESDSVKSEDE